The following is an entry in ClinVar:

ClinVar aggregate classification (germline): Uncertain significance (1 of 4 stars; one submission).

Submission:

Labcorp Genetics (formerly Invitae), Labcorp
Classification: Uncertain significance. Last evaluated: 2023-09-30. Review status: criteria provided, single submitter. Criteria: Invitae Variant Classification Sherloc (09022015). Collection method: clinical testing. Allele origin: germline.
Comment: In summary, the available evidence is currently insufficient to determine the role of this variant in disease. Therefore, it has been classified as a Variant of Uncertain Significance. Algorithms developed to predict the effect of missense changes on protein structure and function output the following: SIFT: "Not Available"; PolyPhen-2: "Benign"; Align-GVGD: "Not Available". The arginine amino acid residue is found in multiple mammalian species, which suggests that this missense change does not adversely affect protein function. This variant has not been reported in the literature in individuals affected with NFKB1-related conditions. This variant is not present in population databases (gnomAD no frequency). This sequence change replaces histidine, which is basic and polar, with arginine, which is basic and polar, at codon 903 of the NFKB1 protein (p.His903Arg).

NM_003998.4(NFKB1):c.2708A>G (p.His903Arg)

Gene: NFKB1 (nuclear factor kappa B subunit 1; plus strand). Cytogenetic location: 4q24.
Variant type: single nucleotide variant.
Coding change: c.2708A>G on transcript NM_003998.4 (MANE Select); coding-DNA position 2708, A replaced by G.
Protein change: p.His903Arg; replaces histidine 903 with arginine.
Molecular consequence: missense variant.
Genome position (GRCh38, 1-based): chr4:102,613,540, A>G. VCF-style: chr4-102613540-A-G. GRCh37 (hg19) VCF-style: chr4-103534697-A-G.
Other names: c.2705A>G, p.His902Arg (NM_001165412.2, NM_001319226.2, NM_001382627.1); c.2708A>G, p.His903Arg (NM_001382625.1, NM_001382626.1); c.2666A>G, p.His889Arg (NM_001382628.1); short protein forms H903R, H889R, H902R.
Identifiers: ClinVar variation 2764673 (VCV002764673.3), dbSNP rs1578839351, ClinGen allele CA357755196.